The following is an entry in ClinVar:

NM_000538.4(RFXAP):c.2T>C (p.Met1Thr)

Genes: RFXAP (regulatory factor X associated protein; plus strand), LOC130009573 (ATAC-STARR-seq lymphoblastoid silent region 5267; plus strand). Cytogenetic location: 13q13.3.
Variant type: single nucleotide variant.
Coding change: c.2T>C on transcript NM_000538.4 (MANE Select); coding-DNA position 2, T replaced by C.
Protein change: p.Met1Thr; changes the start codon (methionine 1).
Molecular consequence: missense variant, initiator codon variant.
Genome position (GRCh38, 1-based): chr13:36,819,359, T>C. VCF-style: chr13-36819359-T-C. GRCh37 (hg19) VCF-style: chr13-37393496-T-C.
Other names: short protein forms M1T.
Identifiers: ClinVar variation 1029905 (VCV001029905.2), dbSNP rs2057953200, ClinGen allele CA387852019.

ClinVar aggregate classification (germline): Uncertain significance (1 of 4 stars; one submission).

Conditions:
MHC class II deficiency. Also called: BLS, TYPE II; Bare lymphocyte syndrome 2. Identifiers: Orphanet 572, MedGen C5447452, MONDO:0008855.

Submission:

Baylor Genetics
Classification: Uncertain significance for MHC class II deficiency 1. Last evaluated: 2019-09-29. Review status: criteria provided, single submitter. Criteria: ACMG Guidelines, 2015. Collection method: clinical testing. Allele origin: unknown. Affected: yes.
Comment: This variant was determined to be of uncertain significance according to ACMG Guidelines, 2015 [PMID:25741868].